The following is an entry in ClinVar:

NM_001172509.2(SATB2):c.405C>T (p.Pro135=)

Gene: SATB2 (SATB homeobox 2; minus strand). Cytogenetic location: 2q33.1.
Variant type: single nucleotide variant.
Coding change: c.405C>T on transcript NM_001172509.2 (MANE Select); coding-DNA position 405, C replaced by T.
Protein change: p.Pro135=; no amino-acid change (proline 135 retained).
Molecular consequence: synonymous variant.
Genome position (GRCh38, 1-based): chr2:199,381,762, G>A on the plus strand (C>T on the coding strand, the complement: SATB2 is on the minus strand). VCF-style: chr2-199381762-G-A. GRCh37 (hg19) VCF-style: chr2-200246485-G-A.
Other names: p.Pro135=; c.405C>T, p.Pro135= (NM_001172517.1, NM_015265.4).
Identifiers: ClinVar variation 469558 (VCV000469558.29), dbSNP rs150990155, ClinGen allele CA2046094.
Genomic context (GRCh38, chr2:199,381,762, plus strand): 5'-TTGGATTTTCAACGTCACAACATGATAGACATCTTGTAGCATGTCGGCCACTGTCGCGTC[G>A]GGTGCATCTGTCACATAACTGAGGGGGAGAGGGTTCCACCTTCCCAGCTTGATTATTCCT-3'
Protein context (NP_001165980.1, residues 125-145): PLPLSYVTDA[Pro135=]DATVADMLQD

ClinVar aggregate classification (germline): Benign/Likely benign. Review status: criteria provided, multiple submitters, no conflicts (2 of 4 stars). 5 submissions from 5 submitters: Benign (3); Likely benign (2). Last evaluated 2026-09-01.

Conditions:
Inborn genetic diseases. Identifiers: MedGen C0950123, MeSH D030342.
Chromosome 2q32-q33 deletion syndrome (GLASS). Also called: Glass syndrome; 2q33.1 deletion syndrome. Identifiers: Orphanet 251019, MedGen C2676739, MONDO:0012864, OMIM 612313.

Allele frequency attached by ClinVar (database versions not stated): gnomAD 0.00014; 1000 Genomes Project 0.00040; TOPMed 0.00047; 1000 Genomes Project 30x 0.00062.
gnomAD v4.1: 282 of 1,613,978 alleles (0.017%); highest among the groups gnomAD compares: Admixed American, 0.42%; no homozygotes.

Submissions (5):

CeGaT Center for Human Genetics Tuebingen
Classification: Likely benign. Last evaluated: 2026-09-01. Review status: criteria provided, single submitter. Criteria: CeGaT Center For Human Genetics Tuebingen Variant Classification Criteria Version 2. Collection method: clinical testing. Allele origin: germline. Affected: yes. Observed: 3 variant alleles.
Comment: SATB2: BP4, BP7

Labcorp Genetics (formerly Invitae), Labcorp
Classification: Benign for Chromosome 2q32-q33 deletion syndrome. Last evaluated: 2026-02-03. Review status: criteria provided, single submitter. Criteria: Invitae Variant Classification Sherloc (09022015). Collection method: clinical testing. Allele origin: germline.

Mayo Clinic Laboratories, Mayo Clinic
Classification: Benign. Last evaluated: 2025-04-01. Review status: criteria provided, single submitter. Criteria: ACMG Guidelines, 2015. Collection method: clinical testing. Allele origin: germline. Observed: 1 variant allele.
Comment: BA1, BP4, BP7

GeneDx
Classification: Benign. Last evaluated: 2019-01-31. Review status: criteria provided, single submitter. Criteria: GeneDx Variant Classification Process June 2021. Collection method: clinical testing. Allele origin: germline. Affected: yes.

Ambry Genetics
Classification: Likely benign for Inborn genetic diseases. Last evaluated: 2016-10-06. Review status: criteria provided, single submitter. Criteria: Ambry Variant Classification Scheme 2023. Collection method: clinical testing. Allele origin: germline.